The following is an entry in ClinVar:

NM_001297.5(CNGB1):c.1A>T (p.Met1Leu)

Gene: CNGB1 (cyclic nucleotide gated channel subunit beta 1; minus strand). Cytogenetic location: 16q21.
Variant type: single nucleotide variant.
Coding change: c.1A>T on transcript NM_001297.5 (MANE Select); coding-DNA position 1, A replaced by T.
Protein change: p.Met1Leu; changes the start codon (methionine 1).
Molecular consequence: missense variant, initiator codon variant.
Genome position (GRCh38, 1-based): chr16:57,967,286, T>A on the plus strand (A>T on the coding strand, the complement: CNGB1 is on the minus strand). VCF-style: chr16-57967286-T-A. GRCh37 (hg19) VCF-style: chr16-58001190-T-A.
Other names: c.1A>T, p.Met1Leu (NM_001135639.2, NM_001286130.2); c.1A>T (NM_001297.4); short protein forms M1L.
Identifiers: ClinVar variation 1050960 (VCV001050960.9), dbSNP rs745636376, ClinGen allele CA8084023.
Genomic context (GRCh38, chr16:57,967,286, plus strand): 5'-TCTTGGTCTTCCGAGGGGTCCCTGGGGGCTGAGGCAGCACCCTCTGGACCCAGCCCAACA[T>A]CCTGATGCCTGTAGGAGACAGAGTCCTTAGCCCTCCCTGGAGCACTCACAGTAGCTCCCG-3'
Protein context (NP_001288.3, residues 1-11): [Met1Leu]LGWVQRVLPQ

ClinVar aggregate classification (germline): Uncertain significance. Review status: criteria provided, multiple submitters, no conflicts (2 of 4 stars). 5 submissions from 5 submitters: Uncertain significance (3). 2 of the submissions do not count toward it. Last evaluated 2025-12-05.

Conditions:
CNGB1-related disorder. Also called: CNGB1-related condition.

Allele frequency attached by ClinVar (database versions not stated): gnomAD 0.00002; gnomAD exomes 0.00002 and 0.00005; ExAC 0.00005; TOPMed 0.00006.

Submissions (5):

PreventionGenetics, part of Exact Sciences
Classification: Uncertain significance for CNGB1-related condition. Last evaluated: 2025-12-05. Review status: criteria provided, single submitter. Criteria: ACMG Guidelines, 2015. Collection method: clinical testing. Allele origin: germline.
Comment: The CNGB1 c.1A>T variant is predicted to disrupt the translation initiation site (Start Loss). To our knowledge, this variant has not been reported in individuals with CNGB1-related disease. Multiple in-frame methionines occur downstream of this variant in exon 2 (p.Met21; p.Met33) . If utilized, these may reinitiate translation. This variant is reported in 0.0087% of alleles in individuals of Latino descent in gnomAD.At this time, the clinical significance of this variant is uncertain due to the absence of conclusive functional and genetic evidence.

Blueprint Genetics
Classification: Uncertain significance. Last evaluated: 2024-04-09. Review status: criteria provided, single submitter. Criteria: ACMG Guidelines, 2015. Collection method: clinical testing. Allele origin: germline.

Labcorp Genetics (formerly Invitae), Labcorp
Classification: Uncertain significance. Last evaluated: 2021-12-24. Review status: criteria provided, single submitter. Criteria: Invitae Variant Classification Sherloc (09022015). Collection method: clinical testing. Allele origin: germline.
Comment: This sequence change affects the initiator methionine of the CNGB1 mRNA. The next in-frame methionine is located at codon 21. This variant is present in population databases (rs745636376, gnomAD 0.009%). This variant has not been reported in the literature in individuals affected with CNGB1-related conditions. ClinVar contains an entry for this variant (Variation ID: 1050960). Algorithms developed to predict the effect of sequence changes on RNA splicing suggest that this variant may create or strengthen a splice site. In summary, the available evidence is currently insufficient to determine the role of this variant in disease. Therefore, it has been classified as a Variant of Uncertain Significance.

Clinical Genetics DNA and cytogenetics Diagnostics Lab, Erasmus MC, Erasmus Medical Center
Classification: Pathogenic. Review status: no assertion criteria provided. Collection method: clinical testing. Allele origin: germline. Affected: yes. Study: VKGL Data-share Consensus. Not counted in ClinVar's aggregate classification.

Joint Genome Diagnostic Labs from Nijmegen and Maastricht, Radboudumc and MUMC+
Classification: Likely pathogenic. Review status: no assertion criteria provided. Collection method: clinical testing. Allele origin: germline. Affected: yes. Study: VKGL Data-share Consensus. Not counted in ClinVar's aggregate classification.